The following is an entry in ClinVar:

NM_001127511.3(APC):c.-189G>A

Genes: APC (APC regulator of Wnt signaling pathway; plus strand), LOC129994371 (ATAC-STARR-seq lymphoblastoid active region 22910; plus strand). Cytogenetic location: 5q22.2.
Variant type: single nucleotide variant.
Coding change: c.-189G>A on transcript NM_001127511.3; 189 bases upstream of the start codon, G replaced by A.
Molecular consequence: 5 prime UTR variant. On other transcripts: non-coding transcript variant (2), genic upstream transcript variant (1).
Genome position (GRCh38, 1-based): chr5:112,707,529, G>A. VCF-style: chr5-112707529-G-A. GRCh37 (hg19) VCF-style: chr5-112043226-G-A.
Other names: c.-372G>A (NM_001354895.2, NM_001407447.1, NM_001407452.1 and 3 more transcripts); c.-189G>A (NM_001354897.2, NM_001354902.2, NM_001407446.1); c.-139G>A (NM_001407448.1, NM_001407450.1, NM_001407457.1 and 1 more transcripts); c.-163G>A (NM_001407453.1); c.-1407G>A (NM_001407470.1, NM_001407472.1); c.-30415G>A (NM_000038.6).
Identifiers: ClinVar variation 1510727 (VCV001510727.9), dbSNP rs2149629199, ClinGen allele CA2573138773.

ClinVar aggregate classification (germline): Uncertain significance. Review status: criteria provided, multiple submitters, no conflicts (2 of 4 stars). 3 submissions from 3 submitters: Uncertain significance (3). Last evaluated 2024-05-28.

Conditions:
Hereditary cancer-predisposing syndrome. Also called: Hereditary neoplastic syndrome; Neoplastic Syndromes, Hereditary; Tumor predisposition; Hereditary Cancer Syndrome. Identifiers: Orphanet 140162, MedGen C0027672, MeSH D009386, MONDO:0015356.
Familial adenomatous polyposis 1 (FAP1). Also called: FAMILIAL ADENOMATOUS POLYPOSIS 1, ATTENUATED; POLYPOSIS, ADENOMATOUS INTESTINAL. Identifiers: MedGen C2713442, MONDO:0021056, OMIM 175100. Disease mechanism: loss of function.
Classic or attenuated familial adenomatous polyposis. Identifiers: MedGen CN372698, MONDO:0021057.

Submissions (3):

Labcorp Genetics (formerly Invitae), Labcorp
Classification: Uncertain significance for Familial adenomatous polyposis 1. Last evaluated: 2024-05-28. Review status: criteria provided, single submitter. Criteria: Invitae Variant Classification Sherloc (09022015). Collection method: clinical testing. Allele origin: germline.
Comment: This variant occurs in a non-coding region of the APC gene. It does not change the encoded amino acid sequence of the APC protein. This variant is not present in population databases (gnomAD no frequency). This variant has been observed in individual(s) with clinical features of familial adenomatous polyposis (Invitae). Experimental studies and prediction algorithms are not available or were not evaluated, and the functional significance of this variant is currently unknown. In summary, the available evidence is currently insufficient to determine the role of this variant in disease. Therefore, it has been classified as a Variant of Uncertain Significance.

All of Us Research Program, National Institutes of Health
Classification: Uncertain significance for Classic or attenuated familial adenomatous polyposis. Last evaluated: 2024-02-22. Review status: criteria provided, single submitter. Criteria: ACMG Guidelines, 2015. Collection method: clinical testing. Allele origin: germline. Inheritance: Autosomal dominant inheritance. Observed: 1 variant allele, 1 heterozygote.
Comment: This variant causes a G to A nucleotide substitution at position -30415 in the promoter region of the APC gene. To our knowledge, functional studies have not been reported for this variant. This variant has been reported in one or more individuals affected with familial adenomatous polyposis (ClinVar SCV002307340.2). This variant has not been identified in the general population by the Genome Aggregation Database (gnomAD). The available evidence is insufficient to determine the role of this variant in disease conclusively. Therefore, this variant is classified as a Variant of Uncertain Significance.

This study involves interpretation of variants in research participants for the purpose of population health screening. Participant phenotype was not available at the time of variant classification. Additional details can be found in publication PMID: 35346344, PMCID: PMC8962531

Color Diagnostics, LLC DBA Color Health
Classification: Uncertain significance for Hereditary cancer-predisposing syndrome. Last evaluated: 2024-02-01. Review status: criteria provided, single submitter. Criteria: ACMG Guidelines, 2015. Collection method: clinical testing. Allele origin: germline.
Comment: This variant causes a G to A nucleotide substitution at position -30415 in the promoter region of the APC gene. To our knowledge, functional studies have not been reported for this variant. This variant has been reported in one or more individuals affected with familial adenomatous polyposis (ClinVar SCV002307340.2). This variant has not been identified in the general population by the Genome Aggregation Database (gnomAD). The available evidence is insufficient to determine the role of this variant in disease conclusively. Therefore, this variant is classified as a Variant of Uncertain Significance.